The following is an entry in ClinVar:

ClinVar aggregate classification (germline): Uncertain significance (1 of 4 stars; one submission).

Submission:

Ambry Genetics
Classification: Uncertain significance. Last evaluated: 2023-10-10. Review status: criteria provided, single submitter. Criteria: Ambry Variant Classification Scheme 2023. Collection method: clinical testing. Allele origin: germline.
Comment: The p.T129N variant (also known as c.386C>A), located in coding exon 1 of the PALLD gene, results from a C to A substitution at nucleotide position 386. The threonine at codon 129 is replaced by asparagine, an amino acid with similar properties. This amino acid position is conserved. In addition, this alteration is predicted to be tolerated by in silico analysis. Since supporting evidence is limited at this time, the clinical significance of this alteration remains unclear.

NM_001166108.2(PALLD):c.386C>A (p.Thr129Asn)

Gene: PALLD (palladin, cytoskeletal associated protein; plus strand). Cytogenetic location: 4q32.3.
Variant type: single nucleotide variant.
Coding change: c.386C>A on transcript NM_001166108.2 (MANE Select); coding-DNA position 386, C replaced by A.
Protein change: p.Thr129Asn; replaces threonine 129 with asparagine.
Molecular consequence: missense variant.
Genome position (GRCh38, 1-based): chr4:168,511,890, C>A. VCF-style: chr4-168511890-C-A. GRCh37 (hg19) VCF-style: chr4-169433041-C-A.
Other names: c.386C>A, p.Thr129Asn (NM_016081.4); short protein forms T129N.
Identifiers: ClinVar variation 3226812 (VCV003226812.1), dbSNP rs1458607387, ClinGen allele CA358725724.